The following is an entry in ClinVar:

ClinVar aggregate classification (germline): Uncertain significance (1 of 4 stars; one submission).

Conditions:
Atypical hemolytic-uremic syndrome. Identifiers: Orphanet 2134, MedGen C2931788, MONDO:0016244.

Submission:

Genomenon, Inc
Classification: Uncertain significance for Atypical hemolytic-uremic syndrome. Last evaluated: 2025-10-02. Review status: criteria provided, single submitter. Criteria: Genomenon Sequence Variant Interpretation Standards. Collection method: curation. Allele origin: germline. Affected: yes.
Comment: CD46 c.475+5_475+8del (c.475+5_475+8del) is an intronic variant in intron 4. This variant has been observed in at least one proband affected with atypical hemolytic-uremic syndrome (PMID:28509219;33224962). It is absent or not present at a significant frequency in gnomAD. In conclusion, we classify CD46 c.475+5_475+8del as a variant of uncertain significance.

Literature cited by the submitters: PubMed 28509219; PubMed 33224962.

NM_172351.3(CD46):c.475+5_475+8del

Gene: CD46 (CD46 molecule; plus strand). Cytogenetic location: 1q32.2.
Variant type: Microsatellite.
Coding change: c.475+5_475+8del on transcript NM_172351.3 (MANE Select); bases 5 to 8 of the intron after coding-DNA position 475, 4 bases deleted (GTAA; older notation c.475+5_475+8delGTAA).
Molecular consequence: splice donor variant.
Genome position (GRCh38, 1-based): chr1:207,759,729-207,759,732, GTAA deleted; deleting any 4 consecutive bases within chr1:207,759,723-207,759,732 gives the same sequence; the c. name uses the placement nearest the transcript's 3' end. VCF-style (leftmost placement, unchanged base first): chr1-207759722-AAAGT-A. GRCh37 (hg19) VCF-style: chr1-207933067-AAAGT-A.
Other names: c.475+5_475+8del (NM_002389.4, NM_172359.3, NM_153826.4 and 8 more transcripts).
Identifiers: ClinVar variation 4291222 (VCV004291222.1).